The following is an entry in ClinVar:

NM_001372.4(DNAH9):c.2197C>T (p.Arg733Trp)

Gene: DNAH9 (dynein axonemal heavy chain 9; plus strand). Cytogenetic location: 17p12.
Variant type: single nucleotide variant.
Coding change: c.2197C>T on transcript NM_001372.4 (MANE Select); coding-DNA position 2197, C replaced by T.
Protein change: p.Arg733Trp; replaces arginine 733 with tryptophan.
Molecular consequence: missense variant.
Genome position (GRCh38, 1-based): chr17:11,651,168, C>T. VCF-style: chr17-11651168-C-T. GRCh37 (hg19) VCF-style: chr17-11554485-C-T.
Other names: short protein forms R733W.
Identifiers: ClinVar variation 1972818 (VCV001972818.5), dbSNP rs762683092, ClinGen allele CA8395125.

ClinVar aggregate classification (germline): Uncertain significance (1 of 4 stars; one submission).

Allele frequency attached by ClinVar (database versions not stated): gnomAD 0.00001.
gnomAD v4.1: 43 of 1,613,980 alleles (0.0027%); highest among the groups gnomAD compares: South Asian, 0.0066%; no homozygotes.

Submission:

Labcorp Genetics (formerly Invitae), Labcorp
Classification: Uncertain significance. Last evaluated: 2022-09-07. Review status: criteria provided, single submitter. Criteria: Invitae Variant Classification Sherloc (09022015). Collection method: clinical testing. Allele origin: germline.
Comment: This variant is present in population databases (rs762683092, gnomAD 0.01%). This sequence change replaces arginine, which is basic and polar, with tryptophan, which is neutral and slightly polar, at codon 733 of the DNAH9 protein (p.Arg733Trp). This variant has not been reported in the literature in individuals affected with DNAH9-related conditions. In summary, the available evidence is currently insufficient to determine the role of this variant in disease. Therefore, it has been classified as a Variant of Uncertain Significance. Algorithms developed to predict the effect of missense changes on protein structure and function (SIFT, PolyPhen-2, Align-GVGD) all suggest that this variant is likely to be tolerated.